The following is an entry in ClinVar:

NM_000199.5(SGSH):c.385G>C (p.Glu129Gln)

Gene: SGSH (N-sulfoglucosamine sulfohydrolase; minus strand). Cytogenetic location: 17q25.3.
Variant type: single nucleotide variant.
Coding change: c.385G>C on transcript NM_000199.5 (MANE Select); coding-DNA position 385, G replaced by C.
Protein change: p.Glu129Gln; replaces glutamic acid 129 with glutamine.
Molecular consequence: missense variant. On other transcripts: non-coding transcript variant (1).
Genome position (GRCh38, 1-based): chr17:80,214,736, C>G on the plus strand (G>C on the coding strand, the complement: SGSH is on the minus strand). VCF-style: chr17-80214736-C-G. GRCh37 (hg19) VCF-style: chr17-78188535-C-G.
Other names: c.385G>C, p.Glu129Gln (NM_001352921.3, NM_001352922.2); short protein forms E129Q.
Identifiers: ClinVar variation 2163546 (VCV002163546.4), dbSNP rs2510894230, ClinGen allele CA401363161.

ClinVar aggregate classification (germline): Uncertain significance (1 of 4 stars; one submission).

Conditions:
Mucopolysaccharidosis, MPS-III-A (MPS3A). Also called: HEPARAN SULFATE SULFATASE DEFICIENCY; SANFILIPPO SYNDROME A; SULFAMIDASE DEFICIENCY; MPS III A; Mucopolysaccharidosis, type IIIA; MUCOPOLYSACCHARIDOSIS, TYPE IIIA, ATTENUATED. Identifiers: Orphanet 581, Orphanet 79269, MedGen C0086647, MONDO:0009655, OMIM 252900.

Submission:

Labcorp Genetics (formerly Invitae), Labcorp
Classification: Uncertain significance for Mucopolysaccharidosis, MPS-III-A. Last evaluated: 2022-03-16. Review status: criteria provided, single submitter. Criteria: Invitae Variant Classification Sherloc (09022015). Collection method: clinical testing. Allele origin: germline.
Comment: In summary, the available evidence is currently insufficient to determine the role of this variant in disease. Therefore, it has been classified as a Variant of Uncertain Significance. Algorithms developed to predict the effect of missense changes on protein structure and function (SIFT, PolyPhen-2, Align-GVGD) all suggest that this variant is likely to be tolerated. This variant has not been reported in the literature in individuals affected with SGSH-related conditions. This variant is not present in population databases (gnomAD no frequency). This sequence change replaces glutamic acid, which is acidic and polar, with glutamine, which is neutral and polar, at codon 129 of the SGSH protein (p.Glu129Gln).